The following is an entry in ClinVar:

ClinVar aggregate classification (germline): Uncertain significance (1 of 4 stars; one submission).

Submission:

GeneDx
Classification: Uncertain significance. Last evaluated: 2025-03-06. Review status: criteria provided, single submitter. Criteria: GeneDx Variant Classification Process June 2021. Collection method: clinical testing. Allele origin: germline. Affected: yes.
Comment: Not observed at significant frequency in large population cohorts (gnomAD); In silico analysis supports that this missense variant has a deleterious effect on protein structure/function; Has not been previously published as pathogenic or benign to our knowledge

NM_032217.5(ANKRD17):c.7628C>T (p.Pro2543Leu)

Gene: ANKRD17 (ankyrin repeat domain 17; minus strand). Cytogenetic location: 4q13.3.
Variant type: single nucleotide variant.
Coding change: c.7628C>T on transcript NM_032217.5 (MANE Select); coding-DNA position 7628, C replaced by T.
Protein change: p.Pro2543Leu; replaces proline 2543 with leucine.
Molecular consequence: missense variant.
Genome position (GRCh38, 1-based): chr4:73,077,064, G>A on the plus strand (C>T on the coding strand, the complement: ANKRD17 is on the minus strand). VCF-style: chr4-73077064-G-A. GRCh37 (hg19) VCF-style: chr4-73942781-G-A.
Other names: c.7289C>T, p.Pro2430Leu (NM_001286771.3); c.7625C>T, p.Pro2542Leu (NM_015574.2); c.6875C>T, p.Pro2292Leu (NM_198889.3); short protein forms P2292L, P2430L, P2542L, P2543L.
Identifiers: ClinVar variation 4082939 (VCV004082939.1).